The following is an entry in ClinVar:

NM_004448.4(ERBB2):c.1796G>A (p.Arg599His)

Gene: ERBB2 (erb-b2 receptor tyrosine kinase 2; plus strand). Cytogenetic location: 17q12.
Variant type: single nucleotide variant.
Coding change: c.1796G>A on transcript NM_004448.4 (MANE Select); coding-DNA position 1796, G replaced by A.
Protein change: p.Arg599His; replaces arginine 599 with histidine.
Molecular consequence: missense variant. On other transcripts: non-coding transcript variant (1), intron variant (1).
Genome position (GRCh38, 1-based): chr17:39,717,378, G>A. VCF-style: chr17-39717378-G-A. GRCh37 (hg19) VCF-style: chr17-37873631-G-A.
Other names: c.1706G>A, p.Arg569His (NM_001005862.3, NM_001289938.2, NM_001382782.1 and 1 more transcripts); c.1751G>A, p.Arg584His (NM_001289936.2); c.1796G>A, p.Arg599His (NM_001289937.2, NM_001382792.1, NM_001382793.1 and 9 more transcripts); c.1913G>A, p.Arg638His (NM_001382784.1, NM_001382786.1); c.1898G>A, p.Arg633His (NM_001382785.1); c.1871G>A, p.Arg624His (NM_001382787.1); c.1826G>A, p.Arg609His (NM_001382788.1); c.1817G>A, p.Arg606His (NM_001382789.1); and 6 more; short protein forms R569H, R598H, R323H, R539H, R596H, R599H, R633H, R513H.
Identifiers: ClinVar variation 1362736 (VCV001362736.6), dbSNP rs758820578, ClinGen allele CA8534116.

ClinVar aggregate classification (germline): Uncertain significance (1 of 4 stars; one submission).

Allele frequency attached by ClinVar (database versions not stated): gnomAD exomes below 0.00001 and 0.00001; ExAC 0.00001; gnomAD 0.00001; TOPMed 0.00001.
gnomAD v4.1: 10 of 1,612,604 alleles (0.00062%); highest among the groups gnomAD compares: East Asian, 0.0022%; no homozygotes.

Submission:

Labcorp Genetics (formerly Invitae), Labcorp
Classification: Uncertain significance. Last evaluated: 2021-10-01. Review status: criteria provided, single submitter. Criteria: Invitae Variant Classification Sherloc (09022015). Collection method: clinical testing. Allele origin: germline.
Comment: In summary, the available evidence is currently insufficient to determine the role of this variant in disease. Therefore, it has been classified as a Variant of Uncertain Significance. Algorithms developed to predict the effect of missense changes on protein structure and function output the following: SIFT: "Tolerated"; PolyPhen-2: "Benign"; Align-GVGD: "Class C0". The histidine amino acid residue is found in multiple mammalian species, which suggests that this missense change does not adversely affect protein function. This variant has not been reported in the literature in individuals affected with ERBB2-related conditions. This variant is present in population databases (rs758820578, ExAC 0.01%). This sequence change replaces arginine with histidine at codon 599 of the ERBB2 protein (p.Arg599His). The arginine residue is moderately conserved and there is a small physicochemical difference between arginine and histidine.